The following is an entry in ClinVar:

NM_006005.3(WFS1):c.713-231G>A

Gene: WFS1 (wolframin ER transmembrane glycoprotein; plus strand). Cytogenetic location: 4p16.1.
Variant type: single nucleotide variant.
Coding change: c.713-231G>A on transcript NM_006005.3 (MANE Select); 231 bases into the intron before coding-DNA position 713, G replaced by A.
Molecular consequence: intron variant.
Genome position (GRCh38, 1-based): chr4:6,294,810, G>A. VCF-style: chr4-6294810-G-A. GRCh37 (hg19) VCF-style: chr4-6296537-G-A.
Other names: c.713-231G>A (NM_001145853.1).
Identifiers: ClinVar variation 679566 (VCV000679566.3), dbSNP rs112272637, ClinGen allele CA91795115.

ClinVar aggregate classification (germline): Benign/Likely benign. Review status: criteria provided, multiple submitters, no conflicts (2 of 4 stars). 3 submissions from 3 submitters: Benign (1); Likely benign (2). Last evaluated 2018-06-16.

Conditions:
Wolfram syndrome 1 (WFS1). Identifiers: Orphanet 3463, MedGen C4551693, MONDO:0009101, OMIM 222300.

Allele frequency attached by ClinVar (database versions not stated): 1000 Genomes Project 30x 0.00453; 1000 Genomes Project 0.00559; TOPMed 0.01166; gnomAD 0.01252 and 0.01258; gnomAD exomes 0.01541.
gnomAD v4.1: 8,546 of 584,692 alleles (1.5%); highest among the groups gnomAD compares: Non-Finnish European, 2%; 76 homozygotes.

Submissions (3):

GeneDx
Classification: Likely benign. Last evaluated: 2018-06-16. Review status: criteria provided, single submitter. Criteria: GeneDx Variant Classification (06012015). Collection method: clinical testing. Allele origin: germline. Affected: yes.
Comment: This variant is considered likely benign or benign based on one or more of the following criteria: it is a conservative change, it occurs at a poorly conserved position in the protein, it is predicted to be benign by multiple in silico algorithms, and/or has population frequency not consistent with disease.

Breakthrough Genomics
Classification: Likely benign. Review status: criteria provided, single submitter. Criteria: ACMG Guidelines, 2015. Collection method: not provided. Allele origin: germline. Inheritance: Autosomal recessive inheritance. Affected: yes.

Clinical Genomics, Uppaluri K&H Personalized Medicine Clinic
Classification: Benign for Wolfram syndrome 1. Review status: criteria provided, single submitter. Criteria: K & H Uppaluri Personalized Medicine Clinic Variant Classification & Assertion Criteria_Updated V.1. Collection method: research. Allele origin: unknown. Inheritance: Autosomal recessive inheritance.
Comment: Potent mutations in WFS1 gene are associated with Wolfram's syndrome, an autosomal recessive condition, which cause diabetes mellitus, diabetes insipidus, deafness and optic atrophy.However no sufficient evidence is found to ascertain the role of this particular variant rs112272637 in Wolfram's syndrome yet.

Literature cited by the submitters: PubMed 20738327 (cited by Clinical Genomics, Uppaluri K&H Personalized Medicine Clinic); PubMed 33879153 (cited by Clinical Genomics, Uppaluri K&H Personalized Medicine Clinic); PubMed 12955714 (cited by Clinical Genomics, Uppaluri K&H Personalized Medicine Clinic); PubMed 18060660 (cited by Clinical Genomics, Uppaluri K&H Personalized Medicine Clinic); PubMed 20301750 (cited by Clinical Genomics, Uppaluri K&H Personalized Medicine Clinic); PubMed 17603484 (cited by Clinical Genomics, Uppaluri K&H Personalized Medicine Clinic).